The following is an entry in ClinVar:

NM_000372.5(TYR):c.820-2A>G

Gene: TYR (tyrosinase; plus strand). Cytogenetic location: 11q14.3.
Variant type: single nucleotide variant.
Coding change: c.820-2A>G on transcript NM_000372.5 (MANE Select); the canonical splice acceptor site of the intron before coding-DNA position 820, A replaced by G.
Molecular consequence: splice acceptor variant.
Genome position (GRCh38, 1-based): chr11:89,191,200, A>G. VCF-style: chr11-89191200-A-G. GRCh37 (hg19) VCF-style: chr11-88924368-A-G.
Other names: c.820-2A>G (NM_000372.4).
Identifiers: ClinVar variation 3240675 (VCV003240675.4), dbSNP rs1304451467.

ClinVar aggregate classification (germline): Pathogenic/Likely pathogenic. Review status: criteria provided, multiple submitters, no conflicts (2 of 4 stars). 4 submissions from 4 submitters: Pathogenic (1); Likely pathogenic (3). Last evaluated 2025-08-04.

Conditions:
SKIN/HAIR/EYE PIGMENTATION 3, LIGHT/DARK SKIN (SHEP3). Also called: SKIN/HAIR/EYE PIGMENTATION, VARIATION IN, 3; EYE COLOR 1; EYE COLOR, GREEN/BLUE; SKIN/HAIR/EYE PIGMENTATION 3, BLUE/GREEN EYE COLOR; SKIN/HAIR/EYE PIGMENTATION 3, FRECKLING. Identifiers: MedGen C2677190, OMIM 601800.
Oculocutaneous albinism type 1A (OCA1A). Also called: Albinism, oculocutaneous, type IA. Identifiers: Orphanet 352731, Orphanet 79431, MedGen C4551504, MONDO:0008745, OMIM 203100. Disease mechanism: loss of function.
Oculocutaneous albinism type 1B (OCA1B). Also called: ALBINISM, OCULOCUTANEOUS, TYPE IB; ALBINISM, YELLOW MUTANT TYPE; YELLOW ALBINISM. Identifiers: Orphanet 352731, Orphanet 352737, Orphanet 79434, MedGen C1847024, MONDO:0011749, OMIM 606952.
TYR-related disorder. Also called: TYR-related condition.

gnomAD v4.1: 3 of 1,613,350 alleles (0.00019%); highest among the groups gnomAD compares: Non-Finnish European, 0.00025%; no homozygotes.

Submissions (4):

PreventionGenetics, part of Exact Sciences
Classification: Pathogenic for TYR-related condition. Last evaluated: 2025-08-04. Review status: criteria provided, single submitter. Criteria: ACMG Guidelines, 2015. Collection method: clinical testing. Allele origin: germline.
Comment: The TYR c.820-2A>G variant is predicted to disrupt the AG splice acceptor site and interfere with normal splicing. This variant has been reported in an individual with oculocutaneous albinism (Simeonov et al. 2013. PubMed ID: 23504663). This variant was detected along with another pathogenic TYR variant in multiple unrelated individuals undergoing testing for oculocutaneous albinism (PreventionGenetics internal data). This variant is present in 0.0018% of alleles in individuals of European (Non-Finnish) descent in gnomAD. Variants that disrupt the consensus splice acceptor site in TYR are an established mechanism of disease. Given the evidence, we interpret this variant as pathogenic.

Baylor Genetics
Classification: Likely pathogenic for SKIN/HAIR/EYE PIGMENTATION 3, LIGHT/DARK SKIN. Last evaluated: 2024-03-23. Review status: criteria provided, single submitter. Criteria: ACMG Guidelines, 2015. Collection method: clinical testing. Allele origin: unknown.

Fulgent Genetics
Classification: Likely pathogenic for Oculocutaneous albinism type 1A; SKIN/HAIR/EYE PIGMENTATION 3, LIGHT/DARK SKIN; Oculocutaneous albinism type 1B. Last evaluated: 2024-02-06. Review status: criteria provided, single submitter. Criteria: ACMG Guidelines, 2015. Collection method: clinical testing. Allele origin: germline.

Blueprint Genetics
Classification: Likely pathogenic for TYR-related disorders. Last evaluated: 2024-02-01. Review status: criteria provided, single submitter. Criteria: ACMG Guidelines, 2015. Collection method: clinical testing. Allele origin: germline. Affected: yes. Observed: 5 variant alleles.